The following is an entry in ClinVar:

ClinVar aggregate classification (germline): Pathogenic (1 of 4 stars; one submission).

Submission:

Labcorp Genetics (formerly Invitae), Labcorp
Classification: Pathogenic. Last evaluated: 2018-09-06. Review status: criteria provided, single submitter. Criteria: Invitae Variant Classification Sherloc (09022015). Collection method: clinical testing. Allele origin: germline.
Comment: For these reasons, this variant has been classified as Pathogenic. Loss-of-function variants in SIN3A are known to be pathogenic (PMID: 27399968). This variant has not been reported in the literature in individuals with SIN3A-related disease. This variant is not present in population databases (ExAC no frequency). This sequence change creates a premature translational stop signal (p.Tyr673*) in the SIN3A gene. It is expected to result in an absent or disrupted protein product.

Literature cited by the submitters: PubMed 27399968.

NM_001145358.2(SIN3A):c.2019T>G (p.Tyr673Ter)

Gene: SIN3A (SIN3 transcription regulator family member A; minus strand). Cytogenetic location: 15q24.2.
Variant type: single nucleotide variant.
Coding change: c.2019T>G on transcript NM_001145358.2 (MANE Select); coding-DNA position 2019, T replaced by G.
Protein change: p.Tyr673Ter; replaces tyrosine 673 with a stop codon.
Molecular consequence: nonsense.
Genome position (GRCh38, 1-based): chr15:75,396,332, A>C on the plus strand (T>G on the coding strand, the complement: SIN3A is on the minus strand). VCF-style: chr15-75396332-A-C. GRCh37 (hg19) VCF-style: chr15-75688673-A-C.
Other names: c.2019T>G, p.Tyr673Ter (NM_001145357.2, NM_015477.3); short protein forms Y673*.
Identifiers: ClinVar variation 653960 (VCV000653960.6), dbSNP rs1595897112, ClinGen allele CA393495242.
Genomic context (GRCh38, chr15:75,396,332, plus strand): 5'-TGGAACAGCAATGGAGGGATTCTTTCTCAGACCATCAATGATGTCAGCTGCTTTATCAGC[A>C]TATATCCTCTGGAGTGCTTTTCTATGGATGACTTCTGATGTGCCCCCAAGGGTGTTGTCC-3'